The following is an entry in ClinVar:

ClinVar aggregate classification (germline): Uncertain significance (0 of 4 stars; one submission).

Conditions:
Polycystic kidney disease. Also called: Polycystic kidney dysplasia; Kidney, Polycystic. Identifiers: MedGen C0022680, MeSH D007690, MONDO:0020642, HP:0000113.

Submission:

Department of Pathology and Laboratory Medicine, Sinai Health System
Classification: Uncertain significance for Polycystic Kidney disease. Review status: no assertion criteria provided. Collection method: clinical testing. Allele origin: unknown. Affected: yes. Study: The Canadian Open Genetics Repository (COGR).
Comment: The PKD2 p.Ala421Glu variant was not identified in the literature nor was it identified in the Clinvitae, ClinVar, GeneInsight-COGR, ADPKD Mutation, or PKD2-LOVD databases. Furthermore, the valiant was not identified in dbSNP, in the 1000 Genomes Project, the NHLBI GO Exome Sequencing Project or the Exome Aggregation Consortium (August 8, 2016) databases. The Ala421 residue is conserved across mammals however computational analyses (PolyPhen-2, SIFT, AlignGVGD, BLOSUM, MutationTaster) provide inconsistent predictions regarding the impact to the protein and this information is not very predictive of pathogenicity. The variant occurs outside of the splicing consensus sequence and in silico or computational prediction software programs (SpliceSiteFinder, MaxEntScan, NNSPLICE, GeneSplicer, HumanSpliceFinder) do not predict a difference in splicing. In summary, based on the above information, the clinical significance of this variant cannot be determined with certainty at this time. This variant is classified as a variant of uncertain significance.

NM_000297.4(PKD2):c.1262C>A (p.Ala421Glu)

Gene: PKD2 (polycystin 2, transient receptor potential cation channel; plus strand). Cytogenetic location: 4q22.1.
Variant type: single nucleotide variant.
Coding change: c.1262C>A on transcript NM_000297.4 (MANE Select); coding-DNA position 1262, C replaced by A.
Protein change: p.Ala421Glu; replaces alanine 421 with glutamic acid.
Molecular consequence: missense variant. On other transcripts: non-coding transcript variant (1).
Genome position (GRCh38, 1-based): chr4:88,043,400, C>A. VCF-style: chr4-88043400-C-A. GRCh37 (hg19) VCF-style: chr4-88964552-C-A.
Other names: short protein forms A421E.
Identifiers: ClinVar variation 997152 (VCV000997152.1), dbSNP rs1727652224, ClinGen allele CA357616024.
Genomic context (GRCh38, chr4:88,043,400, plus strand): 5'-AAACAGCTGCACAAGTTGCTAGCCTCAAGAAAAATGTCTGGCTGGACCGAGGAACCAGGG[C>A]AACTTTTATTGACTTCTCAGTGTACAACGCCAACATTAACCTGTTCTGTGTGGTCAGGTG-3'
Protein context (NP_000288.1, residues 411-431): KNVWLDRGTR[Ala421Glu]TFIDFSVYNA